The following is an entry in ClinVar:

NM_001365999.1(SZT2):c.1797G>A (p.Pro599=)

Gene: SZT2 (SZT2 subunit of KICSTOR complex; plus strand). Cytogenetic location: 1p34.2.
Variant type: single nucleotide variant.
Coding change: c.1797G>A on transcript NM_001365999.1 (MANE Select); coding-DNA position 1797, G replaced by A.
Protein change: p.Pro599=; no amino-acid change (proline 599 retained).
Molecular consequence: synonymous variant.
Genome position (GRCh38, 1-based): chr1:43,422,507, G>A. VCF-style: chr1-43422507-G-A. GRCh37 (hg19) VCF-style: chr1-43888178-G-A.
Other names: c.1797G>A, p.Pro599= (NM_015284.4).
Identifiers: ClinVar variation 841151 (VCV000841151.34), dbSNP rs748420169, ClinGen allele CA808518.
Genomic context (GRCh38, chr1:43,422,507, plus strand): 5'-AGGTCTAACCTCAGTCCACACCCCTCTTCCTAGACCAATCCCCAAGCACTTGCACACCCC[G>A]GGCAGCAATGGGCGCTACAGCACTATCCAGTGCAGGATCTCCCACTCCTCCCTGACCTCT-3'
Protein context (NP_001352928.1, residues 589-609): DTPIPKHLHT[Pro599=]GSNGRYSTIQ

ClinVar aggregate classification (germline): Likely benign. Review status: criteria provided, multiple submitters, no conflicts (2 of 4 stars). 4 submissions from 4 submitters: Likely benign (4). Last evaluated 2026-02-02.

Conditions:
Developmental and epileptic encephalopathy, 18 (DEE18). Also called: Early infantile epileptic encephalopathy 18. Identifiers: Orphanet 369894, MedGen C3809624, MONDO:0014201, OMIM 615476.

Allele frequency attached by ClinVar (database versions not stated): gnomAD exomes 0.00005; ExAC 0.00006; TOPMed 0.00007.
gnomAD v4.1: 38 of 1,594,714 alleles (0.0024%); highest among the groups gnomAD compares: East Asian, 0.011%; no homozygotes.

Submissions (4):

Labcorp Genetics (formerly Invitae), Labcorp
Classification: Likely benign. Last evaluated: 2026-02-02. Review status: criteria provided, single submitter. Criteria: Invitae Variant Classification Sherloc (09022015). Collection method: clinical testing. Allele origin: germline.

Blueprint Genetics
Classification: Likely benign. Last evaluated: 2024-08-05. Review status: criteria provided, single submitter. Criteria: ACMG Guidelines, 2015. Collection method: clinical testing. Allele origin: germline.

Genome-Nilou Lab
Classification: Likely benign for Developmental and epileptic encephalopathy, 18. Last evaluated: 2023-04-11. Review status: criteria provided, single submitter. Criteria: ACMG Guidelines, 2015. Collection method: clinical testing. Allele origin: germline. Affected: no.

CeGaT Center for Human Genetics Tuebingen
Classification: Likely benign. Last evaluated: 2022-09-01. Review status: criteria provided, single submitter. Criteria: CeGaT Center For Human Genetics Tuebingen Variant Classification Criteria Version 2. Collection method: clinical testing. Allele origin: germline. Affected: yes. Observed: 1 variant allele.
Comment: SZT2: BP4, BP7